The following is an entry in ClinVar:

NC_000001.11:g.(?_161356667)_(161356850_?)del

Gene: SDHC (succinate dehydrogenase complex subunit C; plus strand). Cytogenetic location: 1q23.3.
Variant type: Deletion.
Identifiers: ClinVar variation 644840 (VCV000644840.15).

ClinVar aggregate classification (germline): Pathogenic (1 of 4 stars; one submission).

Conditions:
Gastrointestinal stromal tumor. Also called: Gastrointestinal stromal tumor, somatic; Gastrointestinal stroma tumor. Identifiers: Orphanet 44890, MedGen C0238198, MeSH D046152, MONDO:0011719, OMIM 606764, HP:0100723.
Pheochromocytoma/paraganglioma syndrome 3. Also called: SDHC-Related Hereditary Paraganglioma-Pheochromocytoma Syndrome (Paragangliomas 3); SDHC-Related Hereditary Paraganglioma-Pheochromocytoma Syndrome; Paragangliomas 3; GLOMUS TUMORS, FAMILIAL, 3. Identifiers: Orphanet 29072, MedGen C1854336, MONDO:0011544, OMIM 605373.

Submission:

Labcorp Genetics (formerly Invitae), Labcorp
Classification: Pathogenic for Pheochromocytoma/paraganglioma syndrome 3; Gastrointestinal stromal tumor. Last evaluated: 2023-12-17. Review status: criteria provided, single submitter. Criteria: Invitae Variant Classification Sherloc (09022015). Collection method: clinical testing. Allele origin: germline.
Comment: This variant is a gross deletion of the genomic region encompassing exon(s) 5 of the SDHC gene. While this deletion is not anticipated to lead to nonsense mediated decay, it is expected to disrupt the C-terminus of the protein. A similar copy number variant has been observed in individuals with clinical features of SDHC-related conditions and/or head and neck paraganglioma (PMID: 19351833; Invitae). For these reasons, this variant has been classified as Pathogenic.

Literature cited by the submitters: PubMed 19351833.